The following is an entry in ClinVar:

ClinVar aggregate classification (germline): Benign/Likely benign. Review status: criteria provided, multiple submitters, no conflicts (2 of 4 stars). 3 submissions from 3 submitters: Benign (1); Likely benign (2). Last evaluated 2025-10-04.

Conditions:
Inborn genetic diseases. Identifiers: MedGen C0950123, MeSH D030342.
Charcot-Marie-Tooth disease dominant intermediate B (CMTDIB). Also called: CHARCOT-MARIE-TOOTH NEUROPATHY, DOMINANT INTERMEDIATE B; Charcot-Marie-Tooth disease dominant intermediate 1; CMT DI1; Charcot-Marie-Tooth disease dominant intermediate I. Identifiers: Orphanet 100044, Orphanet 228179, MedGen C1847902, MONDO:0011674, OMIM 606482.

Allele frequency attached by ClinVar (database versions not stated): gnomAD below 0.00001 and 0.00003; TOPMed 0.00002; gnomAD exomes 0.00008 and 0.00019; ExAC 0.00026; 1000 Genomes Project 0.00040; 1000 Genomes Project 30x 0.00062.
gnomAD v4.1: 125 of 1,613,904 alleles (0.0077%); highest among the groups gnomAD compares: South Asian, 0.13%; no homozygotes.

Submissions (3):

Labcorp Genetics (formerly Invitae), Labcorp
Classification: Benign for Charcot-Marie-Tooth disease dominant intermediate B. Last evaluated: 2025-10-04. Review status: criteria provided, single submitter. Criteria: Invitae Variant Classification Sherloc (09022015). Collection method: clinical testing. Allele origin: germline.

Ambry Genetics
Classification: Likely benign for Inborn genetic diseases. Last evaluated: 2019-07-11. Review status: criteria provided, single submitter. Criteria: Ambry Variant Classification Scheme 2023. Collection method: clinical testing. Allele origin: germline.

GeneDx
Classification: Likely benign. Last evaluated: 2018-01-24. Review status: criteria provided, single submitter. Criteria: GeneDx Variant Classification (06012015). Collection method: clinical testing. Allele origin: germline. Affected: yes.
Comment: This variant is considered likely benign or benign based on one or more of the following criteria: it is a conservative change, it occurs at a poorly conserved position in the protein, it is predicted to be benign by multiple in silico algorithms, and/or has population frequency not consistent with disease.

NM_001005361.3(DNM2):c.1196+643C>T

Gene: DNM2 (dynamin 2; plus strand). Cytogenetic location: 19p13.2.
Variant type: single nucleotide variant.
Coding change: c.1196+643C>T on transcript NM_001005361.3 (MANE Select); 643 bases into the intron after coding-DNA position 1196, C replaced by T.
Molecular consequence: intron variant. On other transcripts: synonymous variant (3).
Genome position (GRCh38, 1-based): chr19:10,796,082, C>T. VCF-style: chr19-10796082-C-T. GRCh37 (hg19) VCF-style: chr19-10906758-C-T.
Other names: c.1218C>T, p.Asp406= (NM_001005360.3, NM_001190716.2, NM_004945.4); c.1196+643C>T (NM_001005362.3).
Identifiers: ClinVar variation 465279 (VCV000465279.11), dbSNP rs563985581, ClinGen allele CA9201033.